The following is an entry in ClinVar:

ClinVar aggregate classification (germline): Uncertain significance. Review status: criteria provided, multiple submitters, no conflicts (2 of 4 stars). 3 submissions from 3 submitters: Uncertain significance (3). Last evaluated 2025-01-12.

gnomAD v4.1: 71 of 1,612,838 alleles (0.0044%); highest among the groups gnomAD compares: South Asian, 0.072%; no homozygotes.

Submissions (3):

Labcorp Genetics (formerly Invitae), Labcorp
Classification: Uncertain significance for Combined immunodeficiency due to DOCK8 deficiency. Last evaluated: 2025-01-12. Review status: criteria provided, single submitter. Criteria: Invitae Variant Classification Sherloc (09022015). Collection method: clinical testing. Allele origin: germline.
Comment: This sequence change replaces proline, which is neutral and non-polar, with threonine, which is neutral and polar, at codon 364 of the DOCK8 protein (p.Pro364Thr). This variant is present in population databases (rs146777948, gnomAD 0.06%). This variant has not been reported in the literature in individuals affected with DOCK8-related conditions. ClinVar contains an entry for this variant (Variation ID: 2683033). Invitae Evidence Modeling of protein sequence and biophysical properties (such as structural, functional, and spatial information, amino acid conservation, physicochemical variation, residue mobility, and thermodynamic stability) indicates that this missense variant is expected to disrupt DOCK8 protein function with a positive predictive value of 80%. In summary, the available evidence is currently insufficient to determine the role of this variant in disease. Therefore, it has been classified as a Variant of Uncertain Significance.

Blueprint Genetics
Classification: Uncertain significance. Last evaluated: 2024-08-21. Review status: criteria provided, single submitter. Criteria: ACMG Guidelines, 2015. Collection method: clinical testing. Allele origin: germline.

Mayo Clinic Laboratories, Mayo Clinic
Classification: Uncertain significance. Last evaluated: 2022-06-21. Review status: criteria provided, single submitter. Criteria: ACMG Guidelines, 2015. Collection method: clinical testing. Allele origin: germline. Observed: 1 variant allele.

NM_203447.4(DOCK8):c.1090C>A (p.Pro364Thr)

Gene: DOCK8 (dedicator of cytokinesis 8; plus strand). Cytogenetic location: 9p24.3.
Variant type: single nucleotide variant.
Coding change: c.1090C>A on transcript NM_203447.4 (MANE Select); coding-DNA position 1090, C replaced by A.
Protein change: p.Pro364Thr; replaces proline 364 with threonine.
Molecular consequence: missense variant.
Genome position (GRCh38, 1-based): chr9:332,443, C>A. VCF-style: chr9-332443-C-A. GRCh37 (hg19) VCF-style: chr9-332443-C-A.
Other names: p.Pro364Thr; c.886C>A, p.Pro296Thr (NM_001190458.2, NM_001193536.2); short protein forms P296T, P364T.
Identifiers: ClinVar variation 2683033 (VCV002683033.3), dbSNP rs146777948, ClinGen allele CA4957597.